The following is an entry in ClinVar:

NM_001258392.3(CLPB):c.1484T>C (p.Leu495Pro)

Gene: CLPB (ClpB family mitochondrial disaggregase; minus strand). Cytogenetic location: 11q13.4.
Variant type: single nucleotide variant.
Coding change: c.1484T>C on transcript NM_001258392.3 (MANE Select); coding-DNA position 1484, T replaced by C.
Protein change: p.Leu495Pro; replaces leucine 495 with proline.
Molecular consequence: missense variant.
Genome position (GRCh38, 1-based): chr11:72,295,494, A>G on the plus strand (T>C on the coding strand, the complement: CLPB is on the minus strand). VCF-style: chr11-72295494-A-G. GRCh37 (hg19) VCF-style: chr11-72006538-A-G.
Other names: c.1397T>C, p.Leu466Pro (NM_001258393.3); c.1439T>C, p.Leu480Pro (NM_001258394.3); c.1574T>C, p.Leu525Pro (NM_030813.6); short protein forms L466P, L480P, L525P, L495P.
Identifiers: ClinVar variation 2236163 (VCV002236163.5), dbSNP rs770287487, ClinGen allele CA6171157.

ClinVar aggregate classification (germline): Uncertain significance. Review status: criteria provided, multiple submitters, no conflicts (2 of 4 stars). 2 submissions from 2 submitters: Uncertain significance (2). Last evaluated 2024-10-24.

Conditions:
3-methylglutaconic aciduria, type VIIB (MGCA7B). Also called: CLPB Deficiency; 3-methylglutaconic aciduria with cataracts, neurologic involvement and neutropenia; 3-methylglutaconic aciduria, type VII, with cataracts, neurologic involvement and neutropenia. Identifiers: Orphanet 445038, MedGen C5676893, MONDO:0014561, OMIM 616271.
Inborn genetic diseases. Identifiers: MedGen C0950123, MeSH D030342.

Allele frequency attached by ClinVar (database versions not stated): gnomAD exomes below 0.00001; ExAC 0.00001.
gnomAD v4.1: 2 of 1,613,832 alleles (0.00012%); highest among the groups gnomAD compares: Non-Finnish European, 0.00017%; no homozygotes.

Submissions (2):

Labcorp Genetics (formerly Invitae), Labcorp
Classification: Uncertain significance for 3-methylglutaconic aciduria, type VIIB. Last evaluated: 2024-10-24. Review status: criteria provided, single submitter. Criteria: Invitae Variant Classification Sherloc (09022015). Collection method: clinical testing. Allele origin: germline.
Comment: This sequence change replaces leucine, which is neutral and non-polar, with proline, which is neutral and non-polar, at codon 525 of the CLPB protein (p.Leu525Pro). This variant is present in population databases (rs770287487, gnomAD 0.0009%). This variant has not been reported in the literature in individuals affected with CLPB-related conditions. ClinVar contains an entry for this variant (Variation ID: 2236163). An algorithm developed to predict the effect of missense changes on protein structure and function (PolyPhen-2) suggests that this variant is likely to be tolerated. In summary, the available evidence is currently insufficient to determine the role of this variant in disease. Therefore, it has been classified as a Variant of Uncertain Significance.

Ambry Genetics
Classification: Uncertain significance for Inborn genetic diseases. Last evaluated: 2021-07-09. Review status: criteria provided, single submitter. Criteria: Ambry Variant Classification Scheme 2023. Collection method: clinical testing. Allele origin: germline.